The following is an entry in ClinVar:

ClinVar aggregate classification (germline): Likely benign. Review status: criteria provided, multiple submitters, no conflicts (2 of 4 stars). 2 submissions from 2 submitters: Likely benign (2). Last evaluated 2025-02-18.

Conditions:
Fanconi anemia complementation group O. Also called: RAD51C-Related Fanconi Anemia. Identifiers: Orphanet 84, MedGen C3150653, MONDO:0013248, OMIM 613390.
Breast-ovarian cancer, familial, susceptibility to, 3. Also called: RAD51C-Related Breast/Ovarian Cancer. Identifiers: Orphanet 145, MedGen C3150659, MONDO:0013253, OMIM 613399.

Submissions (2):

Myriad Genetics, Inc.
Classification: Likely benign for Breast-ovarian cancer, familial, susceptibility to, 3. Last evaluated: 2025-02-18. Review status: criteria provided, single submitter. Criteria: Myriad Autosomal Dominant, Autosomal Recessive and X-Linked Classification Criteria (2023). Collection method: clinical testing. Allele origin: unknown.
Comment: This variant is considered likely benign. This variant is intronic and is not expected to impact mRNA splicing.

Labcorp Genetics (formerly Invitae), Labcorp
Classification: Likely benign for Fanconi anemia complementation group O. Last evaluated: 2024-05-01. Review status: criteria provided, single submitter. Criteria: Invitae Variant Classification Sherloc (09022015). Collection method: clinical testing. Allele origin: germline.

NM_058216.3(RAD51C):c.405-7T>C

Gene: RAD51C (RAD51 paralog C; plus strand). Cytogenetic location: 17q22.
Variant type: single nucleotide variant.
Coding change: c.405-7T>C on transcript NM_058216.3 (MANE Select); 7 bases into the intron before coding-DNA position 405, T replaced by C.
Molecular consequence: intron variant.
Genome position (GRCh38, 1-based): chr17:58,696,686, T>C. VCF-style: chr17-58696686-T-C. GRCh37 (hg19) VCF-style: chr17-56774047-T-C.
Identifiers: ClinVar variation 3651751 (VCV003651751.3).